The following is an entry in ClinVar:

ClinVar aggregate classification (germline): Uncertain significance (1 of 4 stars; one submission).

Submission:

Centre for Mendelian Genomics, University Medical Centre Ljubljana
Classification: Uncertain significance. Last evaluated: 2020-01-13. Review status: criteria provided, single submitter. Criteria: ACMG Guidelines, 2015. Collection method: clinical testing. Allele origin: unknown. Affected: yes.
Comment: This variant was classified as: Uncertain significance. The available evidence on this variant's pathogenicity is insufficient or conflicting. The following ACMG criteria were applied in classifying this variant: PM2,PP3.

NM_001393504.1(MAST3):c.2041A>T (p.Lys681Ter)

Gene: MAST3 (microtubule associated serine/threonine kinase 3; plus strand). Cytogenetic location: 19p13.11.
Variant type: single nucleotide variant.
Coding change: c.2041A>T on transcript NM_001393504.1 (MANE Select); coding-DNA position 2041, A replaced by T.
Protein change: p.Lys681Ter; replaces lysine 681 with a stop codon.
Molecular consequence: nonsense.
Genome position (GRCh38, 1-based): chr19:18,137,307, A>T. VCF-style: chr19-18137307-A-T. GRCh37 (hg19) VCF-style: chr19-18248117-A-T.
Other names: c.2065A>T, p.Lys689Ter (NM_001393501.1); c.2044A>T, p.Lys682Ter (NM_001393502.1); c.2041A>T, p.Lys681Ter (NM_001393503.1); c.2038A>T, p.Lys680Ter (NM_001393505.1); c.1993A>T, p.Lys665Ter (NM_001393506.1, NM_001393513.1); c.2020A>T, p.Lys674Ter (NM_001393507.1); c.1975A>T, p.Lys659Ter (NM_001393508.1, NM_001393516.1); c.1972A>T, p.Lys658Ter (NM_001393509.1, NM_001393510.1, NM_001393512.1 and 2 more transcripts); and 4 more; short protein forms K652*, K643*, K651*, K657*, K658*, K659*, K665*, K674*.
Identifiers: ClinVar variation 931607 (VCV000931607.3), dbSNP rs2041982393, ClinGen allele CA404816969.